The following is an entry in ClinVar:

ClinVar aggregate classification (germline): Likely benign (1 of 4 stars; one submission).

Conditions:
Deficiency of butyrylcholinesterase (BCHED). Also called: Butyrylcholinesterase deficiency; Deficiency of butyrylcholine esterase; BCHE, silent 1; Acholinesterasemia. Identifiers: Orphanet 132, MedGen C1283400, MONDO:0015270, OMIM 617936.

Allele frequency attached by ClinVar (database versions not stated): gnomAD exomes 0.00193; gnomAD 0.01802 and 0.01953; 1000 Genomes Project 0.01857; TOPMed 0.02014; 1000 Genomes Project 30x 0.02046.
gnomAD v4.1: 3,573 of 554,916 alleles (0.64%); highest among the groups gnomAD compares: African/African-American, 6.1%; 106 homozygotes.

Submission:

Illumina Laboratory Services, Illumina
Classification: Likely benign for Deficiency of butyrylcholinesterase. Last evaluated: 2018-01-13. Review status: criteria provided, single submitter. Criteria: ICSL Variant Classification Criteria 13 December 2019. Collection method: clinical testing. Allele origin: germline.
Comment: This variant was observed in the ICSL laboratory as part of a predisposition screen in an ostensibly healthy population. It had not been previously curated by ICSL or reported in the Human Gene Mutation Database (HGMD: prior to June 1st, 2018), and was therefore a candidate for classification through an automated scoring system. Utilizing variant allele frequency, disease prevalence and penetrance estimates, and inheritance mode, an automated score was calculated to assess if this variant is too frequent to cause the disease. Based on the score and internal cut-off values, a variant classified as likely benign is not then subjected to further curation. The score for this variant resulted in a classification of likely benign for this disease.

NM_000055.4(BCHE):c.*180G>A

Gene: BCHE (butyrylcholinesterase; minus strand). Cytogenetic location: 3q26.1.
Variant type: single nucleotide variant.
Coding change: c.*180G>A on transcript NM_000055.4 (MANE Select); 180 bases downstream of the stop codon, G replaced by A.
Molecular consequence: 3 prime UTR variant. On other transcripts: non-coding transcript variant (2).
Genome position (GRCh38, 1-based): chr3:165,773,202, C>T on the plus strand (G>A on the coding strand, the complement: BCHE is on the minus strand). VCF-style: chr3-165773202-C-T. GRCh37 (hg19) VCF-style: chr3-165490990-C-T.
Identifiers: ClinVar variation 344083 (VCV000344083.5), dbSNP rs139885577, ClinGen allele CA10615257.